The following is an entry in ClinVar:

ClinVar aggregate classification (germline): Uncertain significance (1 of 4 stars; one submission).

Allele frequency attached by ClinVar (database versions not stated): gnomAD exomes below 0.00001.
gnomAD v4.1: 2 of 1,609,740 alleles (0.00012%); highest among the groups gnomAD compares: Non-Finnish European, 0.000085%; no homozygotes.

Submission:

Labcorp Genetics (formerly Invitae), Labcorp
Classification: Uncertain significance. Last evaluated: 2022-08-31. Review status: criteria provided, single submitter. Criteria: Invitae Variant Classification Sherloc (09022015). Collection method: clinical testing. Allele origin: germline.
Comment: This sequence change replaces serine, which is neutral and polar, with phenylalanine, which is neutral and non-polar, at codon 518 of the SYNPO protein (p.Ser518Phe). This variant is not present in population databases (gnomAD no frequency). In summary, the available evidence is currently insufficient to determine the role of this variant in disease. Therefore, it has been classified as a Variant of Uncertain Significance. Algorithms developed to predict the effect of missense changes on protein structure and function (SIFT, PolyPhen-2, Align-GVGD) all suggest that this variant is likely to be disruptive. This variant has not been reported in the literature in individuals affected with SYNPO-related conditions.

NM_007286.6(SYNPO):c.1553C>T (p.Ser518Phe)

Gene: SYNPO (synaptopodin; plus strand). Cytogenetic location: 5q33.1.
Variant type: single nucleotide variant.
Coding change: c.1553C>T on transcript NM_007286.6 (MANE Select); coding-DNA position 1553, C replaced by T.
Protein change: p.Ser518Phe; replaces serine 518 with phenylalanine.
Molecular consequence: missense variant.
Genome position (GRCh38, 1-based): chr5:150,649,828, C>T. VCF-style: chr5-150649828-C-T. GRCh37 (hg19) VCF-style: chr5-150029390-C-T.
Other names: c.1553C>T, p.Ser518Phe (NM_001109974.3); c.2285C>T, p.Ser762Phe (NM_001166208.2, NM_001166209.2); short protein forms S518F, S762F.
Identifiers: ClinVar variation 2068471 (VCV002068471.4), dbSNP rs1345645545, ClinGen allele CA361783194.